The following is an entry in ClinVar:

NM_004093.4(EFNB2):c.663C>T (p.Leu221=)

Genes: EFNB2 (ephrin B2; minus strand), LOC126861841 (CDK7 strongly-dependent group 2 enhancer GRCh37_chr13:107145476-107146675; plus strand). Cytogenetic location: 13q33.3.
Variant type: single nucleotide variant.
Coding change: c.663C>T on transcript NM_004093.4 (MANE Select); coding-DNA position 663, C replaced by T.
Protein change: p.Leu221=; no amino-acid change (leucine 221 retained).
Molecular consequence: synonymous variant.
Genome position (GRCh38, 1-based): chr13:106,493,379, G>A on the plus strand (C>T on the coding strand, the complement: EFNB2 is on the minus strand). VCF-style: chr13-106493379-G-A. GRCh37 (hg19) VCF-style: chr13-107145727-G-A.
Other names: c.570C>T, p.Leu190= (NM_001372056.1); c.549C>T, p.Leu183= (NM_001372057.1).
Identifiers: ClinVar variation 3057815 (VCV003057815.2), dbSNP rs144052492, ClinGen allele CA7042696.
Genomic context (GRCh38, chr13:106,493,379, plus strand): 5'-GATGACGATGAAGATGATGCATCCTGAAGCAATCCCTGCAAATAAGGCCACTTCGGAACC[G>A]AGGATGTTGTTCCCCGAATGTCCGGCGCTGTTGCCGTCTGTGCTAGAACCTGCAGACGCG-3'
Protein context (NP_004084.1, residues 211-231): NSAGHSGNNI[Leu221=]GSEVALFAGI

ClinVar aggregate classification (germline): Likely benign (0 of 4 stars; one submission).

Conditions:
EFNB2-related disorder. Also called: EFNB2-related condition.

Allele frequency attached by ClinVar (database versions not stated): ExAC 0.00003; gnomAD exomes 0.00004; gnomAD 0.00010; ESP Exome Variant Server 0.00015; TOPMed 0.00017.
gnomAD v4.1: 79 of 1,613,990 alleles (0.0049%); highest among the groups gnomAD compares: Admixed American, 0.033%; no homozygotes.

Submission:

PreventionGenetics, part of Exact Sciences
Classification: Likely benign for EFNB2-related condition. Last evaluated: 2019-04-04. Review status: no assertion criteria provided. Collection method: clinical testing. Allele origin: germline.
Comment: This variant is classified as likely benign based on ACMG/AMP sequence variant interpretation guidelines (Richards et al. 2015 PMID: 25741868, with internal and published modifications).